The following is an entry in ClinVar:

NM_000934.4(SERPINF2):c.60C>G (p.Ser20=)

Gene: SERPINF2 (serpin family F member 2; plus strand). Cytogenetic location: 17p13.3.
Variant type: single nucleotide variant.
Coding change: c.60C>G on transcript NM_000934.4 (MANE Select); coding-DNA position 60, C replaced by G.
Protein change: p.Ser20=; no amino-acid change (serine 20 retained).
Molecular consequence: synonymous variant.
Genome position (GRCh38, 1-based): chr17:1,745,055, C>G. VCF-style: chr17-1745055-C-G. GRCh37 (hg19) VCF-style: chr17-1648349-C-G.
Other names: c.60C>G, p.Ser20= (NM_001165920.1, NM_001165921.2).
Identifiers: ClinVar variation 4980404 (VCV004980404.1).

ClinVar aggregate classification (germline): Likely benign (1 of 4 stars; one submission).

Conditions:
SERPINF2-related disorder. Also called: SERPINF2-related condition.

gnomAD v4.1: 199 of 1,603,178 alleles (0.012%); highest among the groups gnomAD compares: Middle Eastern, 0.017%; no homozygotes.

Submission:

PreventionGenetics, part of Exact Sciences
Classification: Likely benign for SERPINF2-related condition. Last evaluated: 2026-01-21. Review status: criteria provided, single submitter. Criteria: ACMG Guidelines, 2015. Collection method: clinical testing. Allele origin: germline.
Comment: This variant is classified as likely benign based on ACMG/AMP sequence variant interpretation guidelines (Richards et al. 2015 PMID: 25741868, with internal and published modifications).